The following is an entry in ClinVar:

NM_007294.4(BRCA1):c.5359T>C (p.Cys1787Arg)

Gene: BRCA1 (BRCA1 DNA repair associated; minus strand). Cytogenetic location: 17q21.31.
Variant type: single nucleotide variant.
Coding change: c.5359T>C on transcript NM_007294.4 (MANE Select); coding-DNA position 5359, T replaced by C.
Protein change: p.Cys1787Arg; replaces cysteine 1787 with arginine.
Molecular consequence: missense variant. On other transcripts: non-coding transcript variant (1), intron variant (1).
Genome position (GRCh38, 1-based): chr17:43,049,168, A>G on the plus strand (T>C on the coding strand, the complement: BRCA1 is on the minus strand). VCF-style: chr17-43049168-A-G. GRCh37 (hg19) VCF-style: chr17-41201185-A-G.
Other names: c.5233T>C, p.Cys1745Arg (NM_001407680.1, NM_001407670.1, NM_001407671.1 and 8 more transcripts); c.5230T>C, p.Cys1744Arg (NM_001407681.1, NM_001407682.1, NM_001407683.1 and 5 more transcripts); c.5218T>C, p.Cys1740Arg (NM_001407726.1, NM_001407727.1, NM_001407728.1 and 12 more transcripts); c.5215T>C, p.Cys1739Arg (NM_001407732.1, NM_001407733.1, NM_001407734.1 and 18 more transcripts); c.5212T>C, p.Cys1738Arg (NM_001407838.1, NM_001407850.1, NM_001407851.1 and 12 more transcripts); c.5158T>C, p.Cys1720Arg (NM_001407862.1); c.5155T>C, p.Cys1719Arg (NM_001407863.1); c.5152T>C, p.Cys1718Arg (NM_001407874.1, NM_001407875.1); and 73 more; short protein forms C1787R, C1808R, C683R, C1740R, C1490R, C1719R, C1720R, C1738R.
Identifiers: ClinVar variation 865655 (VCV000865655.18), dbSNP rs80357065, ClinGen allele CA10590748.

ClinVar aggregate classification (germline): Conflicting classifications of pathogenicity. Review status: criteria provided, conflicting classifications (1 of 4 stars). 3 submissions from 3 submitters: Likely pathogenic (1); Uncertain significance (2). Last evaluated 2024-06-17.

Conditions:
Hereditary breast ovarian cancer syndrome. Also called: Hereditary breast and/or ovarian cancer syndrome; BRCA1- and BRCA2-Associated Hereditary Breast and Ovarian Cancer; Hereditary breast and ovarian cancer syndrome; Hereditary breast and ovarian cancer; Hereditary breast and ovarian cancer syndrome (HBOC); Breast and ovarian cancer. Identifiers: Orphanet 145, MedGen C0677776, MeSH D061325, MONDO:0003582. Disease mechanism: loss of function.
Breast-ovarian cancer, familial, susceptibility to, 1 (BROVCA1). Also called: BRCA1 Hereditary Breast and Ovarian Cancer; OVARIAN CANCER, SUSCEPTIBILITY TO. Identifiers: Orphanet 145, MedGen C2676676, MONDO:0011450, OMIM 604370. Disease mechanism: loss of function.

Submissions (4):

ARUP Laboratories, Molecular Genetics and Genomics, ARUP Laboratories
Classification: Likely pathogenic. Last evaluated: 2024-06-17. Review status: criteria provided, single submitter. Criteria: ARUP Molecular Germline Variant Investigation Process 2024. Collection method: clinical testing. Allele origin: germline.
Comment: The BRCA1 c.5359T>C; p.Cys1787Arg variant (rs80357065), to our knowledge, is not reported in the medical literature but is reported in ClinVar (Variation ID: 865655). This variant is absent from the Genome Aggregation Database (v2.1.1), indicating it is not a common polymorphism. Computational analyses predict that this variant is deleterious (REVEL: 0.815). Additionally, in vitro functional analysis in a haploid cell survival assay found this variant to be deleterious (Findlay 2018). Based on available information, this variant is considered to be likely pathogenic. References: Findlay GM et al. Accurate classification of BRCA1 variants with saturation genome editing. Nature. 2018 Oct;562(7726):217-222. PMID: 30209399.

St. Jude Molecular Pathology, St. Jude Children's Research Hospital
Classification: Uncertain significance for Breast-ovarian cancer, familial, susceptibility to, 1. Last evaluated: 2023-08-03. Review status: criteria provided, single submitter. Criteria: St. Jude Assertion Criteria 2020. Collection method: clinical testing. Allele origin: germline.
Comment: The BRCA1 c.5359T>C (p.Cys1787Arg) missense change is absent in gnomAD v2.1.1. The in silico tool REVEL predicts a deleterious effect of this variant on protein function, and a saturation genome assay has shown that this variant affects BRCA1 function (PMID: 30209399). This variant is absent in the FLOSSIES database which contains genetic variants from women older than 70 years of age who have never had cancer. To our knowledge, this variant has not been reported in individuals with hereditary breast and ovarian cancer or Fanconi anemia. In summary, the evidence currently available is insufficient to determine the clinical significance of this variant. It has therefore been classified as of uncertain significance.

Labcorp Genetics (formerly Invitae), Labcorp
Classification: Uncertain significance for Hereditary breast ovarian cancer syndrome. Last evaluated: 2022-01-31. Review status: criteria provided, single submitter. Criteria: Invitae Variant Classification Sherloc (09022015). Collection method: clinical testing. Allele origin: germline.
Comment: This sequence change replaces cysteine, which is neutral and slightly polar, with arginine, which is basic and polar, at codon 1787 of the BRCA1 protein (p.Cys1787Arg). ClinVar contains an entry for this variant (Variation ID: 865655). This variant has not been reported in the literature in individuals affected with BRCA1-related conditions. This variant is not present in population databases (gnomAD no frequency). In summary, the available evidence is currently insufficient to determine the role of this variant in disease. Therefore, it has been classified as a Variant of Uncertain Significance. Advanced modeling of experimental studies (such as gene expression, population dynamics, functional pathways, and cell-cycle effects in cell culture) performed at Invitae indicates that this missense variant is expected to disrupt BRCA1 protein function. Experimental studies have shown that this missense change affects BRCA1 function (PMID: 30209399).

Brotman Baty Institute, University of Washington
No classification provided (evidence only). Condition: Breast-ovarian cancer, familial 1. Review status: no classification provided. Collection method: in vitro. Allele origin: not applicable. Functional consequence: functionally_abnormal. Not counted in ClinVar's aggregate classification.
ClinVar note: "not provided" was previously submitted as the classification for the variant. However, the classification appeared to be based only on an observation of functional data so it was converted to no classification on 2025-07-30.

Literature cited by the submitters: PubMed 30209399 (cited by Labcorp Genetics (formerly Invitae), Labcorp).